The following is an entry in ClinVar:

NM_133259.4(LRPPRC):c.*1371C>T

Gene: LRPPRC (leucine rich pentatricopeptide repeat containing; minus strand). Cytogenetic location: 2p21.
Variant type: single nucleotide variant.
Coding change: c.*1371C>T on transcript NM_133259.4 (MANE Select); 1371 bases downstream of the stop codon, C replaced by T.
Molecular consequence: 3 prime UTR variant.
Genome position (GRCh38, 1-based): chr2:43,887,229, G>A on the plus strand (C>T on the coding strand, the complement: LRPPRC is on the minus strand). VCF-style: chr2-43887229-G-A. GRCh37 (hg19) VCF-style: chr2-44114368-G-A.
Identifiers: ClinVar variation 336125 (VCV000336125.5), dbSNP rs111381413, ClinGen allele CA10613407.
Genomic context (GRCh38, chr2:43,887,229, plus strand): 5'-CTTTTGGCAAACCTGTAACATGTGCAGGTCCTGCATCTGGGCAGTGCTCAAGGGAAAGCC[G>A]CACTATGTCCACTGGGCCAAGACTCAACGTTGGCCATGCCCCCTGCTTCCTTAAATCTAA-3'

ClinVar aggregate classification (germline): Benign (1 of 4 stars; one submission).

Conditions:
Congenital lactic acidosis, Saguenay-Lac-Saint-Jean type (MC4DN5). Also called: CYTOCHROME c OXIDASE DEFICIENCY, FRENCH CANADIAN TYPE; COX DEFICIENCY, FRENCH CANADIAN TYPE; MITOCHONDRIAL COMPLEX IV DEFICIENCY, NUCLEAR TYPE 5. Identifiers: Orphanet 70472, MedGen C1857355, MONDO:0009069, OMIM 220111.

Allele frequency attached by ClinVar (database versions not stated): 1000 Genomes Project 0.01218; 1000 Genomes Project 30x 0.01280; gnomAD 0.01288 and 0.01377; TOPMed 0.01409.

Submission:

Illumina Laboratory Services, Illumina
Classification: Benign for Congenital lactic acidosis, Saguenay-Lac-Saint-Jean type. Last evaluated: 2018-01-12. Review status: criteria provided, single submitter. Criteria: ICSL Variant Classification Criteria 13 December 2019. Collection method: clinical testing. Allele origin: germline.
Comment: This variant was observed in the ICSL laboratory as part of a predisposition screen in an ostensibly healthy population. It had not been previously curated by ICSL or reported in the Human Gene Mutation Database (HGMD: prior to June 1st, 2018), and was therefore a candidate for classification through an automated scoring system. Utilizing variant allele frequency, disease prevalence and penetrance estimates, and inheritance mode, an automated score was calculated to assess if this variant is too frequent to cause the disease. Based on the score and internal cut-off values, a variant classified as benign is not then subjected to further curation. The score for this variant resulted in a classification of benign for this disease.